The following is an entry in ClinVar:

ClinVar aggregate classification (germline): Uncertain significance (1 of 4 stars; one submission).

gnomAD v4.1: 1 of 1,585,520 alleles (0.000063%); highest among the groups gnomAD compares: African/African-American, 0.0014%; no homozygotes.

Submission:

Women's Health and Genetics/Laboratory Corporation of America, LabCorp
Classification: Uncertain significance. Last evaluated: 2025-12-26. Review status: criteria provided, single submitter. Criteria: LabCorp Variant Classification Summary - May 2015. Collection method: clinical testing. Allele origin: germline.
Comment: Variant summary: ADAMTS2 c.3107C>T (p.Ser1036Phe) results in a non-conservative amino acid change in the encoded protein sequence. Algorithms developed to predict the effect of missense changes on protein structure and function are either unavailable or do not agree on the potential impact of this missense change. The variant was absent in 230380 control chromosomes. The available data on variant occurrences in the general population are insufficient to allow any conclusion about variant significance. To our knowledge, no occurrence of c.3107C>T in individuals affected with ADAMTS2-related conditions and no experimental evidence demonstrating its impact on protein function have been reported. No submitters have cited clinical-significance assessments for this variant to ClinVar. Based on the evidence outlined above, the variant was classified as uncertain significance.

NM_014244.5(ADAMTS2):c.3107C>T (p.Ser1036Phe)

Gene: ADAMTS2 (ADAM metallopeptidase with thrombospondin type 1 motif 2; minus strand). Cytogenetic location: 5q35.3.
Variant type: single nucleotide variant.
Coding change: c.3107C>T on transcript NM_014244.5 (MANE Select); coding-DNA position 3107, C replaced by T.
Protein change: p.Ser1036Phe; replaces serine 1036 with phenylalanine.
Molecular consequence: missense variant.
Genome position (GRCh38, 1-based): chr5:179,121,732, G>A on the plus strand (C>T on the coding strand, the complement: ADAMTS2 is on the minus strand). VCF-style: chr5-179121732-G-A. GRCh37 (hg19) VCF-style: chr5-178548733-G-A.
Other names: short protein forms S1036F.
Identifiers: ClinVar variation 4688803 (VCV004688803.1).